The following is an entry in ClinVar:

ClinVar aggregate classification (germline): Conflicting classifications of pathogenicity. Review status: criteria provided, conflicting classifications (1 of 4 stars). 9 submissions from 9 submitters: Uncertain significance (1); Benign (2); Likely benign (6). Last evaluated 2026-07-01.

Conditions:
Inborn genetic diseases. Identifiers: MedGen C0950123, MeSH D030342.
Developmental and epileptic encephalopathy, 12 (DEE12). Identifiers: MedGen C3150988, MONDO:0013389, OMIM 613722.
Microcephaly, seizures, and developmental delay. Identifiers: Orphanet 1934, MedGen C3150667, MONDO:0013254, OMIM 613402.

Allele frequency attached by ClinVar (database versions not stated): ESP Exome Variant Server 0.00154; TOPMed 0.00155; gnomAD exomes 0.00034 and 0.00063; ExAC 0.00056; gnomAD 0.00123 and 0.00133; 1000 Genomes Project 0.00140; 1000 Genomes Project 30x 0.00141.
gnomAD v4.1: 730 of 1,614,150 alleles (0.045%); highest among the groups gnomAD compares: African/African-American, 0.35%; 2 homozygotes.

Submissions (9):

CeGaT Center for Human Genetics Tuebingen
Classification: Likely benign. Last evaluated: 2026-07-01. Review status: criteria provided, single submitter. Criteria: CeGaT Center For Human Genetics Tuebingen Variant Classification Criteria Version 2. Collection method: clinical testing. Allele origin: germline. Affected: yes. Observed: 4 variant alleles.
Comment: PNKP: BP4, BP7

Labcorp Genetics (formerly Invitae), Labcorp
Classification: Benign for Developmental and epileptic encephalopathy, 12. Last evaluated: 2026-01-13. Review status: criteria provided, single submitter. Criteria: Invitae Variant Classification Sherloc (09022015). Collection method: clinical testing. Allele origin: germline.

Mayo Clinic Laboratories, Mayo Clinic
Classification: Likely benign. Last evaluated: 2025-04-29. Review status: criteria provided, single submitter. Criteria: ACMG Guidelines, 2015. Collection method: clinical testing. Allele origin: germline. Observed: 7 variant alleles.
Comment: BS1, BP4, BP7

Blueprint Genetics
Classification: Likely benign. Last evaluated: 2024-10-14. Review status: criteria provided, single submitter. Criteria: ACMG Guidelines, 2015. Collection method: clinical testing. Allele origin: germline.

Illumina Laboratory Services, Illumina
Classification: Likely benign for Microcephaly, seizures, and developmental delay. Last evaluated: 2018-01-13. Review status: criteria provided, single submitter. Criteria: ICSL Variant Classification Criteria 13 December 2019. Collection method: clinical testing. Allele origin: germline.
Comment: This variant was observed in the ICSL laboratory as part of a predisposition screen in an ostensibly healthy population. It had not been previously curated by ICSL or reported in the Human Gene Mutation Database (HGMD: prior to June 1st, 2018), and was therefore a candidate for classification through an automated scoring system. Utilizing variant allele frequency, disease prevalence and penetrance estimates, and inheritance mode, an automated score was calculated to assess if this variant is too frequent to cause the disease. Based on the score and internal cut-off values, a variant classified as likely benign is not then subjected to further curation. The score for this variant resulted in a classification of likely benign for this disease.

Eurofins Ntd Llc (ga)
Classification: Uncertain significance. Last evaluated: 2017-05-12. Review status: criteria provided, single submitter. Criteria: EGL Classification Definitions 2015. Collection method: clinical testing. Allele origin: germline. Observed: 2 variant alleles, 2 heterozygotes.

Genetic Services Laboratory, University of Chicago
Classification: Likely benign. Last evaluated: 2016-11-21. Review status: criteria provided, single submitter. Criteria: ACMG Guidelines, 2015. Collection method: clinical testing. Allele origin: germline. Affected: no.

Ambry Genetics
Classification: Likely benign for Inborn genetic diseases. Last evaluated: 2016-05-06. Review status: criteria provided, single submitter. Criteria: Ambry Variant Classification Scheme 2023. Collection method: clinical testing. Allele origin: germline.

GeneDx
Classification: Benign. Last evaluated: 2013-07-19. Review status: criteria provided, single submitter. Criteria: GeneDx Variant Classification (06012015). Collection method: clinical testing. Allele origin: germline. Affected: yes.
Comment: This variant is considered likely benign or benign based on one or more of the following criteria: it is a conservative change, it occurs at a poorly conserved position in the protein, it is predicted to be benign by multiple in silico algorithms, and/or has population frequency not consistent with disease.

NM_007254.4(PNKP):c.1491C>T (p.Ala497=)

Gene: PNKP (polynucleotide kinase 3'-phosphatase; minus strand). Cytogenetic location: 19q13.33.
Variant type: single nucleotide variant.
Coding change: c.1491C>T on transcript NM_007254.4 (MANE Select); coding-DNA position 1491, C replaced by T.
Protein change: p.Ala497=; no amino-acid change (alanine 497 retained).
Molecular consequence: synonymous variant.
Genome position (GRCh38, 1-based): chr19:49,861,323, G>A on the plus strand (C>T on the coding strand, the complement: PNKP is on the minus strand). VCF-style: chr19-49861323-G-A. GRCh37 (hg19) VCF-style: chr19-50364580-G-A.
Other names: p.A497A:GCC>GCT; p.Ala497=.
Identifiers: ClinVar variation 95480 (VCV000095480.58), dbSNP rs116192442, ClinGen allele CA223012.
Genomic context (GRCh38, chr19:49,861,323, plus strand): 5'-CTGGCAGTACAGCCGCCCCAGCCTCGGCTCCACCCATAGCCGGAACGGGATCTCCAGGAT[G>A]GCAGAGAAGCCTTCAGCCAGCGTTGGGGCCTCGAACTGCTTCCTGGCAGTGGTGGGAACA-3'
Protein context (NP_009185.2, residues 487-507): EAPTLAEGFS[Ala497=]ILEIPFRLWV